The following is an entry in ClinVar:

ClinVar aggregate classification (germline): Uncertain significance. Review status: criteria provided, multiple submitters, no conflicts (2 of 4 stars). 2 submissions from 2 submitters: Uncertain significance (2). Last evaluated 2025-02-25.

Conditions:
Inborn genetic diseases. Identifiers: MedGen C0950123, MeSH D030342.

gnomAD v4.1: 27 of 1,613,718 alleles (0.0017%); highest among the groups gnomAD compares: South Asian, 0.0099%; no homozygotes.

Submissions (2):

Ambry Genetics
Classification: Uncertain significance for Inborn genetic diseases. Last evaluated: 2025-02-25. Review status: criteria provided, single submitter. Criteria: Ambry Variant Classification Scheme 2023. Collection method: clinical testing. Allele origin: germline.

Labcorp Genetics (formerly Invitae), Labcorp
Classification: Uncertain significance. Last evaluated: 2022-03-12. Review status: criteria provided, single submitter. Criteria: Invitae Variant Classification Sherloc (09022015). Collection method: clinical testing. Allele origin: germline.
Comment: This sequence change replaces proline, which is neutral and non-polar, with alanine, which is neutral and non-polar, at codon 2232 of the SPEG protein (p.Pro2232Ala). This variant is present in population databases (rs371302780, gnomAD 0.01%). This variant has not been reported in the literature in individuals affected with SPEG-related conditions. Algorithms developed to predict the effect of missense changes on protein structure and function output the following: SIFT: "Tolerated"; PolyPhen-2: "Benign"; Align-GVGD: "Class C0". The alanine amino acid residue is found in multiple mammalian species, which suggests that this missense change does not adversely affect protein function. In summary, the available evidence is currently insufficient to determine the role of this variant in disease. Therefore, it has been classified as a Variant of Uncertain Significance.

NM_005876.5(SPEG):c.6694C>G (p.Pro2232Ala)

Genes: ASIC4-AS1 (ASIC4 antisense RNA 1; minus strand), SPEG (striated muscle enriched protein kinase; plus strand). Cytogenetic location: 2q35.
Variant type: single nucleotide variant.
Coding change: c.6694C>G on transcript NM_005876.5 (MANE Select); coding-DNA position 6694, C replaced by G.
Protein change: p.Pro2232Ala; replaces proline 2232 with alanine.
Molecular consequence: missense variant.
Genome position (GRCh38, 1-based): chr2:219,484,157, C>G. VCF-style: chr2-219484157-C-G. GRCh37 (hg19) VCF-style: chr2-220348879-C-G.
Other names: c.6694C>G (NM_005876.4); short protein forms P2232A.
Identifiers: ClinVar variation 1898249 (VCV001898249.3), dbSNP rs371302780, ClinGen allele CA2127088.
Genomic context (GRCh38, chr2:219,484,157, plus strand): 5'-CAAGACAAGGCTCCAGAGCCCAGGCCAGAACCAGTCCGAGCCTCCAAGCCTGCACCACCC[C>G]CCCAGGCCCTGCAAACCCTAGCGCTGCCCCTCACACCCTATGCTCAGATCATTCAGTCCC-3'
Protein context (NP_005867.3, residues 2222-2242): PVRASKPAPP[Pro2232Ala]QALQTLALPL